The following is an entry in ClinVar:

ClinVar aggregate classification (germline): Benign. Review status: criteria provided, multiple submitters, no conflicts (2 of 4 stars). 4 submissions from 4 submitters: Benign (2). 2 of the submissions do not count toward it. Last evaluated 2026-02-03.

Conditions:
BRD4-related disorder. Also called: BRD4-related condition.

Allele frequency attached by ClinVar (database versions not stated): gnomAD 0.00259 and 0.00256; 1000 Genomes Project 30x 0.00344; TOPMed 0.00351; ESP Exome Variant Server 0.00031; 1000 Genomes Project 0.00319; ExAC 0.00946.
gnomAD v4.1: 2,596 of 1,542,526 alleles (0.17%); highest among the groups gnomAD compares: Admixed American, 3%; 38 homozygotes.

Submissions (4):

Labcorp Genetics (formerly Invitae), Labcorp
Classification: Benign. Last evaluated: 2026-02-03. Review status: criteria provided, single submitter. Criteria: Invitae Variant Classification Sherloc (09022015). Collection method: clinical testing. Allele origin: germline.

Breakthrough Genomics
Classification: Benign. Review status: criteria provided, single submitter. Criteria: ACMG Guidelines, 2015. Collection method: not provided. Allele origin: germline. Inheritance: Unknown mechanism. Affected: yes.

Genetic Services Laboratory, University of Chicago
Classification: Benign. Last evaluated: 2022-05-05. Review status: no assertion criteria provided. Collection method: clinical testing. Allele origin: germline. Affected: no. Not counted in ClinVar's aggregate classification.

PreventionGenetics, part of Exact Sciences
Classification: Benign for BRD4-related condition. Last evaluated: 2019-02-28. Review status: no assertion criteria provided. Collection method: clinical testing. Allele origin: germline. Not counted in ClinVar's aggregate classification.
Comment: This variant is classified as benign based on ACMG/AMP sequence variant interpretation guidelines (Richards et al. 2015 PMID: 25741868, with internal and published modifications).

NM_001379291.1(BRD4):c.801C>T (p.Pro267=)

Gene: BRD4 (bromodomain containing 4; minus strand). Cytogenetic location: 19p13.12.
Variant type: single nucleotide variant.
Coding change: c.801C>T on transcript NM_001379291.1 (MANE Select); coding-DNA position 801, C replaced by T.
Protein change: p.Pro267=; no amino-acid change (proline 267 retained).
Molecular consequence: synonymous variant.
Genome position (GRCh38, 1-based): chr19:15,265,402, G>A on the plus strand (C>T on the coding strand, the complement: BRD4 is on the minus strand). VCF-style: chr19-15265402-G-A. GRCh37 (hg19) VCF-style: chr19-15376213-G-A.
Other names: c.801C>T, p.Pro267= (NM_001330384.2, NM_001379292.1, NM_014299.3 and 1 more transcripts).
Identifiers: ClinVar variation 771515 (VCV000771515.14), dbSNP rs148130736, ClinGen allele CA9265530.